The following is an entry in ClinVar:

ClinVar aggregate classification (germline): Uncertain significance (1 of 4 stars; one submission).

Conditions:
Glycogen storage disease, type II (IOPD). Also called: Glucosidase acid-1,4-alpha deficiency; Pompe Disease; CARDIOMEGALIA GLYCOGENICA DIFFUSA; GLYCOGENOSIS, GENERALIZED, CARDIAC FORM; GSD II; ACID MALTASE DEFICIENCY, INFANTILE-ONSET. Identifiers: Orphanet 365, MedGen C0017921, MONDO:0009290, OMIM 232300.

Submission:

Labcorp Genetics (formerly Invitae), Labcorp
Classification: Uncertain significance for Glycogen storage disease, type II. Last evaluated: 2022-03-23. Review status: criteria provided, single submitter. Criteria: Invitae Variant Classification Sherloc (09022015). Collection method: clinical testing. Allele origin: germline.
Comment: In summary, the available evidence is currently insufficient to determine the role of this variant in disease. Therefore, it has been classified as a Variant of Uncertain Significance. Advanced modeling of protein sequence and biophysical properties (such as structural, functional, and spatial information, amino acid conservation, physicochemical variation, residue mobility, and thermodynamic stability) performed at Invitae indicates that this missense variant is not expected to disrupt GAA protein function. ClinVar contains an entry for this variant (Variation ID: 650517). This variant has not been reported in the literature in individuals affected with GAA-related conditions. This variant is not present in population databases (gnomAD no frequency). This sequence change replaces proline, which is neutral and non-polar, with glutamine, which is neutral and polar, at codon 6 of the GAA protein (p.Pro6Gln).

NM_000152.5(GAA):c.17C>A (p.Pro6Gln)

Gene: GAA (alpha glucosidase; plus strand). Cytogenetic location: 17q25.3.
Variant type: single nucleotide variant.
Coding change: c.17C>A on transcript NM_000152.5 (MANE Select); coding-DNA position 17, C replaced by A.
Protein change: p.Pro6Gln; replaces proline 6 with glutamine.
Molecular consequence: missense variant.
Genome position (GRCh38, 1-based): chr17:80,104,603, C>A. VCF-style: chr17-80104603-C-A. GRCh37 (hg19) VCF-style: chr17-78078402-C-A.
Other names: c.17C>A (LRG_673t1); c.17C>A, p.Pro6Gln (NM_001079803.3, NM_001079804.3); short protein forms P6Q.
Identifiers: ClinVar variation 650517 (VCV000650517.9), dbSNP rs771409180, ClinGen allele CA401359886.
Genomic context (GRCh38, chr17:80,104,603, plus strand): 5'-CTTCTCCCGCAGGCCTGTAGGAGCTGTCCAGGCCATCTCCAACCATGGGAGTGAGGCACC[C>A]GCCCTGCTCCCACCGGCTCCTGGCCGTCTGCGCCCTCGTGTCCTTGGCAACCGCTGCACT-3'
Protein context (NP_000143.2, residues 1-16): MGVRH[Pro6Gln]PCSHRLLAVC